The following is an entry in ClinVar:

NM_005359.6(SMAD4):c.333T>C (p.His111=)

Gene: SMAD4 (SMAD family member 4; plus strand). Cytogenetic location: 18q21.2.
Variant type: single nucleotide variant.
Coding change: c.333T>C on transcript NM_005359.6 (MANE Select); coding-DNA position 333, T replaced by C.
Protein change: p.His111=; no amino-acid change (histidine 111 retained).
Molecular consequence: synonymous variant.
Genome position (GRCh38, 1-based): chr18:51,048,769, T>C. VCF-style: chr18-51048769-T-C. GRCh37 (hg19) VCF-style: chr18-48575139-T-C.
Identifiers: ClinVar variation 1097875 (VCV001097875.12), dbSNP rs1568203454, ClinGen allele CA503873587.

ClinVar aggregate classification (germline): Benign/Likely benign. Review status: criteria provided, multiple submitters, no conflicts (2 of 4 stars). 3 submissions from 3 submitters: Benign (1); Likely benign (2). Last evaluated 2025-03-18.

Conditions:
Hereditary cancer-predisposing syndrome. Also called: Hereditary Cancer Syndrome; Neoplastic Syndromes, Hereditary; Hereditary neoplastic syndrome; Tumor predisposition. Identifiers: Orphanet 140162, MedGen C0027672, MeSH D009386, MONDO:0015356.
Familial thoracic aortic aneurysm and aortic dissection (TAAD). Also called: Thoracic aortic aneurysms and dissections. Identifiers: Orphanet 91387, MedGen C4707243, MONDO:0019625.
Juvenile polyposis syndrome (JPS). Identifiers: Orphanet 2929, MedGen C0345893, MONDO:0017380, OMIM 174900.
Juvenile polyposis/hereditary hemorrhagic telangiectasia syndrome (JPHT). Also called: JP/HHT SYNDROME; JUVENILE POLYPOSIS WITH HEREDITARY HEMORRHAGIC TELANGIECTASIA; POLYPOSIS, GENERALIZED JUVENILE, WITH PULMONARY ARTERIOVENOUS MALFORMATION; TELANGIECTASIA, HEREDITARY HEMORRHAGIC, WITH JUVENILE POLYPOSIS COLI; Juvenile Polyposis Syndrome / Hereditary Hemorrhagic Telangiectasia (JPS/HHT). Identifiers: Orphanet 2929, MedGen C1832942, MONDO:0008278, OMIM 175050.

Allele frequency attached by ClinVar (database versions not stated): gnomAD exomes below 0.00001.
gnomAD v4.1: 1 of 1,611,780 alleles (0.000062%); highest among the groups gnomAD compares: Non-Finnish European, 0.000085%; no homozygotes.

Submissions (3):

Myriad Genetics, Inc.
Classification: Benign for Juvenile polyposis/hereditary hemorrhagic telangiectasia syndrome. Last evaluated: 2025-03-18. Review status: criteria provided, single submitter. Criteria: Myriad Autosomal Dominant, Autosomal Recessive and X-Linked Classification Criteria (2023). Collection method: clinical testing. Allele origin: unknown.
Comment: This variant is considered benign. This variant is a silent/synonymous amino acid change and it is not expected to impact splicing.

Labcorp Genetics (formerly Invitae), Labcorp
Classification: Likely benign for Juvenile polyposis syndrome. Last evaluated: 2021-11-30. Review status: criteria provided, single submitter. Criteria: Invitae Variant Classification Sherloc (09022015). Collection method: clinical testing. Allele origin: germline.

Ambry Genetics
Classification: Likely benign for Hereditary cancer-predisposing syndrome; Familial thoracic aortic aneurysm and aortic dissection. Last evaluated: 2020-04-09. Review status: criteria provided, single submitter. Criteria: Ambry Variant Classification Scheme 2023. Collection method: clinical testing. Allele origin: germline.